The following is an entry in ClinVar:

NM_000834.5(GRIN2B):c.2688C>A (p.Ser896=)

Gene: GRIN2B (glutamate ionotropic receptor NMDA type subunit 2B; minus strand). Cytogenetic location: 12p13.1.
Variant type: single nucleotide variant.
Coding change: c.2688C>A on transcript NM_000834.5 (MANE Select); coding-DNA position 2688, C replaced by A.
Protein change: p.Ser896=; no amino-acid change (serine 896 retained).
Molecular consequence: synonymous variant.
Genome position (GRCh38, 1-based): chr12:13,564,550, G>T on the plus strand (C>A on the coding strand, the complement: GRIN2B is on the minus strand). VCF-style: chr12-13564550-G-T. GRCh37 (hg19) VCF-style: chr12-13717484-G-T.
Other names: c.2688C>A (NM_000834.3); c.2688C>A, p.Ser896= (NM_001413992.1).
Identifiers: ClinVar variation 3234131 (VCV003234131.22), dbSNP rs201445433, ClinGen allele CA6461000.

ClinVar aggregate classification (germline): Likely benign. Review status: criteria provided, multiple submitters, no conflicts (2 of 4 stars). 3 submissions from 3 submitters: Likely benign (3). Last evaluated 2025-05-23.

Conditions:
GRIN2B-related disorder. Also called: GRIN2B-related condition.

gnomAD v4.1: 9 of 1,614,142 alleles (0.00056%); highest among the groups gnomAD compares: Non-Finnish European, 0.00076%; no homozygotes.

Submissions (3):

PreventionGenetics, part of Exact Sciences
Classification: Likely benign for GRIN2B-related condition. Last evaluated: 2025-05-23. Review status: criteria provided, single submitter. Criteria: ACMG Guidelines, 2015. Collection method: clinical testing. Allele origin: germline.
Comment: This variant is classified as likely benign based on ACMG/AMP sequence variant interpretation guidelines (Richards et al. 2015 PMID: 25741868, with internal and published modifications).

CeGaT Center for Human Genetics Tuebingen
Classification: Likely benign. Last evaluated: 2024-04-01. Review status: criteria provided, single submitter. Criteria: CeGaT Center For Human Genetics Tuebingen Variant Classification Criteria Version 2. Collection method: clinical testing. Allele origin: germline. Affected: yes. Observed: 1 variant allele.
Comment: GRIN2B: BP4, BP7

Blueprint Genetics
Classification: Likely benign. Last evaluated: 2023-03-01. Review status: criteria provided, single submitter. Criteria: ACMG Guidelines, 2015. Collection method: clinical testing. Allele origin: germline.